The following is an entry in ClinVar:

NM_001437.3(ESR2):c.748G>A (p.Gly250Ser)

Gene: ESR2 (estrogen receptor 2; minus strand). Cytogenetic location: 14q23.2.
Variant type: single nucleotide variant.
Coding change: c.748G>A on transcript NM_001437.3 (MANE Select); coding-DNA position 748, G replaced by A.
Protein change: p.Gly250Ser; replaces glycine 250 with serine.
Molecular consequence: missense variant. On other transcripts: non-coding transcript variant (2).
Genome position (GRCh38, 1-based): chr14:64,260,653, C>T on the plus strand (G>A on the coding strand, the complement: ESR2 is on the minus strand). VCF-style: chr14-64260653-C-T. GRCh37 (hg19) VCF-style: chr14-64727371-C-T.
Other names: c.748G>A, p.Gly250Ser (NM_001040275.1, NM_001214902.1, NM_001271876.1 and 3 more transcripts); short protein forms G250S.
Identifiers: ClinVar variation 756314 (VCV000756314.12), dbSNP rs201239439, ClinGen allele CA7225465.

ClinVar aggregate classification (germline): Likely benign. Review status: criteria provided, single submitter (1 of 4 stars). 2 submissions from 2 submitters: Likely benign (1). 1 of the submissions does not count toward it. Last evaluated 2026-01-05.

Conditions:
ESR2-related disorder. Also called: ESR2-related condition.

Allele frequency attached by ClinVar (database versions not stated): ESP Exome Variant Server 0.00008; gnomAD 0.00017 and 0.00029; TOPMed 0.00019; 1000 Genomes Project 30x 0.00109; 1000 Genomes Project 0.00120.
gnomAD v4.1: 680 of 1,599,150 alleles (0.043%); highest among the groups gnomAD compares: South Asian, 0.43%; 4 homozygotes.

Submissions (2):

Labcorp Genetics (formerly Invitae), Labcorp
Classification: Likely benign. Last evaluated: 2026-01-05. Review status: criteria provided, single submitter. Criteria: Invitae Variant Classification Sherloc (09022015). Collection method: clinical testing. Allele origin: germline.

PreventionGenetics, part of Exact Sciences
Classification: Benign for ESR2-related condition. Last evaluated: 2019-05-27. Review status: no assertion criteria provided. Collection method: clinical testing. Allele origin: germline. Not counted in ClinVar's aggregate classification.
Comment: This variant is classified as benign based on ACMG/AMP sequence variant interpretation guidelines (Richards et al. 2015 PMID: 25741868, with internal and published modifications).